The following is an entry in ClinVar:

ClinVar aggregate classification (germline): Pathogenic. Review status: criteria provided, multiple submitters, no conflicts (2 of 4 stars). 3 submissions from 3 submitters: Pathogenic (3). Last evaluated 2025-10-03.

Conditions:
Hereditary cancer-predisposing syndrome. Also called: Tumor predisposition; Hereditary neoplastic syndrome; Neoplastic Syndromes, Hereditary; Hereditary Cancer Syndrome. Identifiers: Orphanet 140162, MedGen C0027672, MeSH D009386, MONDO:0015356.
Hereditary breast ovarian cancer syndrome. Also called: Hereditary breast and ovarian cancer; Breast and ovarian cancer; BRCA1- and BRCA2-Associated Hereditary Breast and Ovarian Cancer; Hereditary breast and/or ovarian cancer syndrome; Hereditary breast and ovarian cancer syndrome; Hereditary breast and ovarian cancer syndrome (HBOC). Identifiers: Orphanet 145, MedGen C0677776, MeSH D061325, MONDO:0003582. Disease mechanism: loss of function.

Submissions (3):

Ambry Genetics
Classification: Pathogenic for Hereditary cancer-predisposing syndrome. Last evaluated: 2025-10-03. Review status: criteria provided, single submitter. Criteria: Ambry Variant Classification Scheme 2023. Collection method: clinical testing. Allele origin: germline.
Comment: The c.3968_3969delAA pathogenic mutation, located in coding exon 10 of the BRCA2 gene, results from a deletion of two nucleotides at nucleotide positions 3968 to 3969, causing a translational frameshift with a predicted alternate stop codon (p.K1323Ifs*6). This variant is considered to be rare based on population cohorts in the Genome Aggregation Database (gnomAD). This alteration is expected to result in loss of function by premature protein truncation or nonsense-mediated mRNA decay. As such, this alteration is interpreted as a disease-causing mutation.

Labcorp Genetics (formerly Invitae), Labcorp
Classification: Pathogenic for Hereditary breast ovarian cancer syndrome. Last evaluated: 2025-01-29. Review status: criteria provided, single submitter. Criteria: Invitae Variant Classification Sherloc (09022015). Collection method: clinical testing. Allele origin: germline.
Comment: This sequence change creates a premature translational stop signal (p.Lys1323Ilefs*6) in the BRCA2 gene. It is expected to result in an absent or disrupted protein product. Loss-of-function variants in BRCA2 are known to be pathogenic (PMID: 20104584). This variant is not present in population databases (gnomAD no frequency). This premature translational stop signal has been observed in individual(s) with breast and/or ovarian cancer (PMID: 28724667, 30078507). ClinVar contains an entry for this variant (Variation ID: 1076384). For these reasons, this variant has been classified as Pathogenic.

Color Diagnostics, LLC DBA Color Health
Classification: Pathogenic for Hereditary cancer-predisposing syndrome. Last evaluated: 2021-07-14. Review status: criteria provided, single submitter. Criteria: ACMG Guidelines, 2015. Collection method: clinical testing. Allele origin: germline.
Comment: This variant deletes 2 nucleotides in exon 11 of the BRCA2 gene, creating a frameshift and premature translation stop signal. This variant is also known as c.3967_3968del in the literature. This variant is expected to result in an absent or non-functional protein product. To our knowledge, functional studies have not been reported for this variant. This variant has been reported in two individuals affected with breast cancer (PMID: 28724667). This variant has not been identified in the general population by the Genome Aggregation Database (gnomAD). Loss of BRCA2 function is a known mechanism of disease. Based on the available evidence, this variant is classified as Pathogenic.

Literature cited by the submitters: PubMed 20104584 (cited by Labcorp Genetics (formerly Invitae), Labcorp); PubMed 28724667 (cited by Labcorp Genetics (formerly Invitae), Labcorp and Color Diagnostics, LLC DBA Color Health); PubMed 30078507 (cited by Labcorp Genetics (formerly Invitae), Labcorp).

NM_000059.4(BRCA2):c.3968_3969del (p.Lys1323fs)

Gene: BRCA2 (BRCA2 DNA repair associated; plus strand). Cytogenetic location: 13q13.1.
Variant type: Deletion.
Coding change: c.3968_3969del on transcript NM_000059.4 (MANE Select); coding-DNA positions 3968 to 3969, 2 bases deleted (AA; older notation c.3968_3969delAA).
Protein change: p.Lys1323fs; shifts the reading frame from lysine 1323.
Molecular consequence: frameshift variant.
Genome position (GRCh38, 1-based): chr13:32,338,323-32,338,324, AA deleted; deleting any 2 consecutive bases within chr13:32,338,322-32,338,324 gives the same sequence; the c. name uses the placement nearest the transcript's 3' end. VCF-style (leftmost placement, unchanged base first): chr13-32338321-CAA-C. GRCh37 (hg19) VCF-style: chr13-32912458-CAA-C.
Other names: c.3968_3969delAA (NM_000059.3); short protein forms K1323fs.
Identifiers: ClinVar variation 1076384 (VCV001076384.13), dbSNP rs2137501640, ClinGen allele CA2499222149.